The following is an entry in ClinVar:

NM_054012.4(ASS1):c.174+1G>T

Gene: ASS1 (argininosuccinate synthase 1; plus strand). Cytogenetic location: 9q34.11.
Variant type: single nucleotide variant.
Coding change: c.174+1G>T on transcript NM_054012.4 (MANE Select); the canonical splice donor site of the intron after coding-DNA position 174, G replaced by T.
Molecular consequence: splice donor variant.
Genome position (GRCh38, 1-based): chr9:130,454,374, G>T. VCF-style: chr9-130454374-G-T. GRCh37 (hg19) VCF-style: chr9-133329761-G-T.
Other names: c.174+1G>T (NM_000050.4).
Identifiers: ClinVar variation 623124 (VCV000623124.27), dbSNP rs748264993, ClinGen allele CA5283169.

ClinVar aggregate classification (germline): Pathogenic/Likely pathogenic. Review status: criteria provided, multiple submitters, no conflicts (2 of 4 stars). 6 submissions from 6 submitters: Pathogenic (3); Likely pathogenic (3). Last evaluated 2025-08-25.

Conditions:
Citrullinemia. Identifiers: Orphanet 187, MedGen C0175683, MONDO:0015991.
Citrullinemia type I (CTNL1). Also called: argininosuccinate synthetase deficiency; ASS DEFICIENCY. Identifiers: Orphanet 247525, MedGen C4721769, MONDO:0008988, OMIM 215700.

Allele frequency attached by ClinVar (database versions not stated): ExAC 0.00001; gnomAD exomes 0.00001.
gnomAD v4.1: 5 of 1,613,524 alleles (0.00031%); highest among the groups gnomAD compares: Admixed American, 0.0033%; no homozygotes.

Submissions (6):

Natera, Inc.
Classification: Pathogenic for Citrullinemia type I. Last evaluated: 2025-08-25. Review status: criteria provided, single submitter. Criteria: Natera Variant Classification Schema (03/2026). Collection method: clinical testing. Allele origin: germline.
Comment: The c.174+1G>T variant in ASS1 is a canonical splice donor site variant predicted to affect pre-mRNA splicing, which may result in an abnormal transcript and altered protein product. This variant may result in a truncated or dysfunctional protein product. This variant is rare in the general population with a frequency below the threshold expected for the associated phenotype(s). This variant has been observed in one or more individuals affected with the associated recessive disease, as either homozygous or compound heterozygous with a second variant (PMID: 16475226, 27287393). Another variant at this same site results in an alteration predicted to cause a similar molecular effect has been observed in individual(s) with the associated phenotype. Given the available evidence, this variant is classified as Pathogenic.

Labcorp Genetics (formerly Invitae), Labcorp
Classification: Pathogenic for Citrullinemia. Last evaluated: 2024-03-18. Review status: criteria provided, single submitter. Criteria: Invitae Variant Classification Sherloc (09022015). Collection method: clinical testing. Allele origin: germline.
Comment: This sequence change affects a donor splice site in intron 4 of the ASS1 gene. It is expected to disrupt RNA splicing. Variants that disrupt the donor or acceptor splice site typically lead to a loss of protein function (PMID: 16199547), and loss-of-function variants in ASS1 are known to be pathogenic (PMID: 18473344, 19006241). This variant is present in population databases (rs748264993, gnomAD 0.006%). Disruption of this splice site has been observed in individual(s) with citrullinemia (PMID: 16475226, 25179242). This variant is also known as IVS4+1G>T. ClinVar contains an entry for this variant (Variation ID: 623124). Algorithms developed to predict the effect of sequence changes on RNA splicing suggest that this variant may disrupt the consensus splice site. For these reasons, this variant has been classified as Pathogenic.

Fulgent Genetics
Classification: Pathogenic for Citrullinemia type I. Last evaluated: 2024-01-24. Review status: criteria provided, single submitter. Criteria: ACMG Guidelines, 2015. Collection method: clinical testing. Allele origin: germline.

ARUP Laboratories, Molecular Genetics and Genomics, ARUP Laboratories
Classification: Likely pathogenic for Citrullinemia type I. Last evaluated: 2019-10-01. Review status: criteria provided, single submitter. Criteria: ARUP Molecular Germline Variant Investigation Process. Collection method: clinical testing. Allele origin: germline.
Comment: The ASS1 c.174+1G>T variant (rs748264993), also known as IVS4 + 1G>T, is reported in the literature in an individual with citrullinemia who carried an additional pathogenic variant presumably in trans (Kleijer 2006). A different variant at this nucleotide (c.174+1G>A) is also reported in association with citrullinemia, and shown to cause exon skipping which is predicted to alter the ATP binding domain of the protein (Karlberg 2008, Kimani 2015). The c.174+1G>T variant is reported in ClinVar (Variation ID: 623124). It is only observed in 2 alleles in the Genome Aggregation Database, indicating it is not a common polymorphism. This variant disrupts the canonical splice donor site of intron 4, which is likely to negatively impact gene function. Based on available information, this variant is considered to be likely pathogenic. REFERENCES Karlberg T et al. Structure of human argininosuccinate synthetase. Acta Crystallogr D Biol Crystallogr. 2008 Mar;64(Pt 3):279-86. Kimani JK et al. Functional analysis of novel splicing and missense mutations identified in the ASS1 gene in classical citrullinemia patients. Clin Chim Acta. 2015 Jan 1;438:323-9. Kleijer WJ et al. Prenatal diagnosis of citrullinemia and argininosuccinic aciduria: evidence for a transmission ratio distortion in citrullinemia. Prenat Diagn. 2006 Mar;26(3):242-7.

Centre for Mendelian Genomics, University Medical Centre Ljubljana
Classification: Likely pathogenic for Citrullinemia type I. Last evaluated: 2019-08-16. Review status: criteria provided, single submitter. Criteria: ACMG Guidelines, 2015. Collection method: clinical testing. Allele origin: unknown. Affected: yes.
Comment: This variant was classified as: Likely pathogenic. The following ACMG criteria were applied in classifying this variant: PVS1,PM2.

Molecular Diagnostics Laboratory, M Health Fairview: University of Minnesota
Classification: Likely pathogenic for Citrullinemia type I. Last evaluated: 2018-09-10. Review status: criteria provided, single submitter. Criteria: ACMG Guidelines, 2015. Collection method: clinical testing. Allele origin: germline. Affected: yes. Observed: 1 variant allele.

Literature cited by the submitters: PubMed 16475226 (cited by Natera, Inc. and Labcorp Genetics (formerly Invitae), Labcorp); PubMed 27287393 (cited by Natera, Inc.); PubMed 16199547 (cited by Labcorp Genetics (formerly Invitae), Labcorp); PubMed 18473344 (cited by Labcorp Genetics (formerly Invitae), Labcorp); PubMed 19006241 (cited by Labcorp Genetics (formerly Invitae), Labcorp); PubMed 25179242 (cited by Labcorp Genetics (formerly Invitae), Labcorp and Molecular Diagnostics Laboratory, M Health Fairview: University of Minnesota).